The following is an entry in ClinVar:

NM_000426.4(LAMA2):c.5445+1G>T

Gene: LAMA2 (laminin subunit alpha 2; plus strand). Cytogenetic location: 6q22.33.
Variant type: single nucleotide variant.
Coding change: c.5445+1G>T on transcript NM_000426.4 (MANE Select); the canonical splice donor site of the intron after coding-DNA position 5445, G replaced by T.
Molecular consequence: splice donor variant.
Genome position (GRCh38, 1-based): chr6:129,393,256, G>T. VCF-style: chr6-129393256-G-T. GRCh37 (hg19) VCF-style: chr6-129714401-G-T.
Other names: c.5445+1G>T (NM_001079823.2).
Identifiers: ClinVar variation 2693930 (VCV002693930.3), dbSNP rs1779423047, ClinGen allele CA365615021.

ClinVar aggregate classification (germline): Likely pathogenic (1 of 4 stars; one submission).

Conditions:
LAMA2-related muscular dystrophy (LAMA2-RD). Also called: Laminin alpha 2-related dystrophy. Identifiers: MedGen C5679788, MONDO:0100228.

Submission:

Labcorp Genetics (formerly Invitae), Labcorp
Classification: Likely pathogenic for LAMA2-related muscular dystrophy. Last evaluated: 2023-11-06. Review status: criteria provided, single submitter. Criteria: Invitae Variant Classification Sherloc (09022015). Collection method: clinical testing. Allele origin: germline.
Comment: This sequence change affects a donor splice site in intron 37 of the LAMA2 gene. It is expected to disrupt RNA splicing. Variants that disrupt the donor or acceptor splice site typically lead to a loss of protein function (PMID: 16199547), and loss-of-function variants in LAMA2 are known to be pathogenic (PMID: 18700894, 32904964). This variant is not present in population databases (gnomAD no frequency). This variant has not been reported in the literature in individuals affected with LAMA2-related conditions. Algorithms developed to predict the effect of sequence changes on RNA splicing suggest that this variant may disrupt the consensus splice site. In summary, the currently available evidence indicates that the variant is pathogenic, but additional data are needed to prove that conclusively. Therefore, this variant has been classified as Likely Pathogenic.

Literature cited by the submitters: PubMed 16199547; PubMed 18700894; PubMed 32904964.